The following is an entry in ClinVar:

NM_006846.4(SPINK5):c.1196C>T (p.Thr399Ile)

Gene: SPINK5 (serine peptidase inhibitor Kazal type 5; plus strand). Cytogenetic location: 5q32.
Variant type: single nucleotide variant.
Coding change: c.1196C>T on transcript NM_006846.4 (MANE Select); coding-DNA position 1196, C replaced by T.
Protein change: p.Thr399Ile; replaces threonine 399 with isoleucine.
Molecular consequence: missense variant.
Genome position (GRCh38, 1-based): chr5:148,100,557, C>T. VCF-style: chr5-148100557-C-T. GRCh37 (hg19) VCF-style: chr5-147480120-C-T.
Other names: c.1196C>T, p.Thr399Ile (NM_001127698.2, NM_001127699.2); short protein forms T399I.
Identifiers: ClinVar variation 1426437 (VCV001426437.7), dbSNP rs1420281681, ClinGen allele CA361636767.

ClinVar aggregate classification (germline): Uncertain significance (1 of 4 stars; one submission).

Conditions:
Ichthyosis linearis circumflexa. Identifiers: MedGen C0265962, MONDO:0043106, HP:0025810.

Allele frequency attached by ClinVar (database versions not stated): gnomAD exomes below 0.00001.
gnomAD v4.1: 2 of 1,613,198 alleles (0.00012%); highest among the groups gnomAD compares: Non-Finnish European, 0.00017%; no homozygotes.

Submission:

Labcorp Genetics (formerly Invitae), Labcorp
Classification: Uncertain significance for Ichthyosis linearis circumflexa. Last evaluated: 2024-10-16. Review status: criteria provided, single submitter. Criteria: Invitae Variant Classification Sherloc (09022015). Collection method: clinical testing. Allele origin: germline.
Comment: This sequence change replaces threonine, which is neutral and polar, with isoleucine, which is neutral and non-polar, at codon 399 of the SPINK5 protein (p.Thr399Ile). This variant is present in population databases (no rsID available, gnomAD 0.0009%). This variant has not been reported in the literature in individuals affected with SPINK5-related conditions. ClinVar contains an entry for this variant (Variation ID: 1426437). Invitae Evidence Modeling of protein sequence and biophysical properties (such as structural, functional, and spatial information, amino acid conservation, physicochemical variation, residue mobility, and thermodynamic stability) indicates that this missense variant is not expected to disrupt SPINK5 protein function with a negative predictive value of 80%. In summary, the available evidence is currently insufficient to determine the role of this variant in disease. Therefore, it has been classified as a Variant of Uncertain Significance.